The following is an entry in ClinVar:

NM_000334.4(SCN4A):c.5104G>C (p.Glu1702Gln)

Genes: GH-LCR (growth hormone locus control region; plus strand), SCN4A (sodium voltage-gated channel alpha subunit 4; minus strand). Cytogenetic location: 17q23.3.
Variant type: single nucleotide variant.
Coding change: c.5104G>C on transcript NM_000334.4 (MANE Select); coding-DNA position 5104, G replaced by C.
Protein change: p.Glu1702Gln; replaces glutamic acid 1702 with glutamine.
Molecular consequence: missense variant.
Genome position (GRCh38, 1-based): chr17:63,941,178, C>G on the plus strand (G>C on the coding strand, the complement: SCN4A is on the minus strand). VCF-style: chr17-63941178-C-G. GRCh37 (hg19) VCF-style: chr17-62018538-C-G.
Other names: short protein forms E1702Q.
Identifiers: ClinVar variation 4074359 (VCV004074359.1).
Genomic context (GRCh38, chr17:63,941,178, plus strand): 5'-GGGTGGTGGTGATGGGCTCGTAGGACACCTTGGAGGGGTTGGCTGCCATGAACTTCTCCT[C>G]CATGGTCTGCTTGAGGGCGTCCATTTCCCCAGAGTCACCCAGGACCTCTTTGGTCAGGGC-3'
Protein context (NP_000325.4, residues 1692-1712): GEMDALKQTM[Glu1702Gln]EKFMAANPSK

ClinVar aggregate classification (germline): Uncertain significance (1 of 4 stars; one submission).

Submission:

GeneDx
Classification: Uncertain significance. Last evaluated: 2025-02-05. Review status: criteria provided, single submitter. Criteria: GeneDx Variant Classification Process June 2021. Collection method: clinical testing. Allele origin: germline. Affected: yes.
Comment: Not observed at significant frequency in large population cohorts (gnomAD); In silico analysis indicates that this missense variant does not alter protein structure/function; Has not been previously published as pathogenic or benign to our knowledge